The following is an entry in ClinVar:

ClinVar aggregate classification (germline): Pathogenic (1 of 4 stars; one submission).

Conditions:
Muscular dystrophy, limb-girdle, autosomal recessive 23. Identifiers: Orphanet 565837, MedGen C4748327, MONDO:0029136, OMIM 618138.

Submission:

3billion
Classification: Pathogenic for Muscular dystrophy, limb-girdle, autosomal recessive 23. Last evaluated: 2025-03-04. Review status: criteria provided, single submitter. Criteria: ACMG Guidelines, 2015. Collection method: clinical testing. Allele origin: germline. Affected: yes.
Comment: The variant is observed at an extremely low frequency in the gnomAD v4.1.0 dataset (total allele frequency: <0.001%). Predicted Consequence/Location: Frameshift: predicted to result in a loss or disruption of normal protein function through nonsense-mediated decay (NMD) or protein truncation. Multiple pathogenic variants are reported downstream of the variant. The variant has been reported to be associated with LAMA2-related disorder (PMID: 11938437). Therefore, this variant is classified as Pathogenic according to the recommendation of ACMG/AMP guideline.

Literature cited by the submitters: PubMed 11938437.

NM_000426.4(LAMA2):c.1377del (p.Tyr460fs)

Gene: LAMA2 (laminin subunit alpha 2; plus strand). Cytogenetic location: 6q22.33.
Variant type: Deletion.
Coding change: c.1377del on transcript NM_000426.4 (MANE Select); coding-DNA position 1377, one base deleted (C; older notation c.1377delC).
Protein change: p.Tyr460fs; shifts the reading frame from tyrosine 460.
Molecular consequence: frameshift variant.
Genome position (GRCh38, 1-based): chr6:129,177,776, C deleted. VCF-style (leftmost placement, unchanged base first): chr6-129177775-GC-G. GRCh37 (hg19) VCF-style: chr6-129498920-GC-G.
Other names: c.1377del, p.Tyr460fs (NM_001079823.2); short protein forms Y460fs.
Identifiers: ClinVar variation 4291704 (VCV004291704.1).